The following is an entry in ClinVar:

NM_022124.6(CDH23):c.5735G>A (p.Arg1912Gln)

Gene: CDH23 (cadherin related 23; plus strand). Cytogenetic location: 10q22.1.
Variant type: single nucleotide variant.
Coding change: c.5735G>A on transcript NM_022124.6 (MANE Select); coding-DNA position 5735, G replaced by A.
Protein change: p.Arg1912Gln; replaces arginine 1912 with glutamine.
Molecular consequence: missense variant.
Genome position (GRCh38, 1-based): chr10:71,785,653, G>A. VCF-style: chr10-71785653-G-A. GRCh37 (hg19) VCF-style: chr10-73545410-G-A.
Other names: short protein forms R1912Q.
Identifiers: ClinVar variation 839369 (VCV000839369.10), dbSNP rs142663207, ClinGen allele CA5545862.

ClinVar aggregate classification (germline): Conflicting classifications of pathogenicity. Review status: criteria provided, conflicting classifications (1 of 4 stars). 4 submissions from 4 submitters: Uncertain significance (2); Likely benign (1). 1 of the submissions does not count toward it. Last evaluated 2026-08-01.

Conditions:
CDH23-related disorder. Also called: CDH23-related condition; CDH23-related disorders.
Usher syndrome type 1 (USH1). Also called: RETINITIS PIGMENTOSA AND CONGENITAL DEAFNESS. Identifiers: Orphanet 231169, Orphanet 886, MedGen C1568247, MONDO:0010168, OMIM 276900.

Allele frequency attached by ClinVar (database versions not stated): gnomAD exomes 0.00004 and 0.00012; ExAC 0.00022; gnomAD 0.00029; TOPMed 0.00034; ESP Exome Variant Server 0.00040; 1000 Genomes Project 30x 0.00078; 1000 Genomes Project 0.00100.
gnomAD v4.1: 109 of 1,604,420 alleles (0.0068%); highest among the groups gnomAD compares: African/African-American, 0.11%; no homozygotes.

Submissions (4):

PreventionGenetics, part of Exact Sciences
Classification: Uncertain significance for CDH23-related condition. Last evaluated: 2026-08-01. Review status: criteria provided, single submitter. Criteria: ACMG Guidelines, 2015. Collection method: clinical testing. Allele origin: germline.
Comment: The CDH23 c.5735G>A variant is predicted to result in the amino acid substitution p.Arg1912Gln. To our knowledge, this variant has not been reported in an individual with USH2A-related disease. This variant is reported in 0.14% of alleles in individuals of African descent in gnomAD, which may be too common to be a primary cause of disease. Although we suspect that this variant may be benign, the clinical significance of this variant is currently classified as uncertain due to the absence of conclusive functional and genetic evidence.

Labcorp Genetics (formerly Invitae), Labcorp
Classification: Likely benign. Last evaluated: 2025-12-19. Review status: criteria provided, single submitter. Criteria: Invitae Variant Classification Sherloc (09022015). Collection method: clinical testing. Allele origin: germline.

Blueprint Genetics
Classification: Uncertain significance. Last evaluated: 2024-07-30. Review status: criteria provided, single submitter. Criteria: ACMG Guidelines, 2015. Collection method: clinical testing. Allele origin: germline.

Natera, Inc.
Classification: Uncertain significance for Usher syndrome type 1. Last evaluated: 2020-04-16. Review status: no assertion criteria provided. Collection method: clinical testing. Allele origin: germline. Not counted in ClinVar's aggregate classification.